The following is an entry in ClinVar:

ClinVar aggregate classification (germline): Uncertain significance (1 of 4 stars; one submission).

gnomAD v4.1: 4 of 1,610,246 alleles (0.00025%); highest among the groups gnomAD compares: African/African-American, 0.0053%; no homozygotes.

Submission:

Labcorp Genetics (formerly Invitae), Labcorp
Classification: Uncertain significance. Last evaluated: 2025-01-30. Review status: criteria provided, single submitter. Criteria: Invitae Variant Classification Sherloc (09022015). Collection method: clinical testing. Allele origin: germline.
Comment: This sequence change replaces leucine, which is neutral and non-polar, with valine, which is neutral and non-polar, at codon 879 of the ADGRA3 protein (p.Leu879Val). This variant is present in population databases (no rsID available, gnomAD 0.02%). This variant has not been reported in the literature in individuals affected with ADGRA3-related conditions. An algorithm developed to predict the effect of missense changes on protein structure and function (PolyPhen-2) suggests that this variant is likely to be disruptive. In summary, the available evidence is currently insufficient to determine the role of this variant in disease. Therefore, it has been classified as a Variant of Uncertain Significance.

NM_145290.4(ADGRA3):c.2635C>G (p.Leu879Val)

Gene: ADGRA3 (adhesion G protein-coupled receptor A3; minus strand). Cytogenetic location: 4p15.2.
Variant type: single nucleotide variant.
Coding change: c.2635C>G on transcript NM_145290.4 (MANE Select); coding-DNA position 2635, C replaced by G.
Protein change: p.Leu879Val; replaces leucine 879 with valine.
Molecular consequence: missense variant.
Genome position (GRCh38, 1-based): chr4:22,389,176, G>C on the plus strand (C>G on the coding strand, the complement: ADGRA3 is on the minus strand). VCF-style: chr4-22389176-G-C. GRCh37 (hg19) VCF-style: chr4-22390799-G-C.
Other names: short protein forms L879V.
Identifiers: ClinVar variation 3686152 (VCV003686152.2).